The following is an entry in ClinVar:

ClinVar aggregate classification (germline): Benign/Likely benign. Review status: criteria provided, multiple submitters, no conflicts (2 of 4 stars). 4 submissions from 4 submitters: Benign (1); Likely benign (2). 1 of the submissions does not count toward it. Last evaluated 2026-01-02.

Conditions:
ARPC1B-related disorder. Also called: ARPC1B-related condition.

Allele frequency attached by ClinVar (database versions not stated): gnomAD exomes 0.00012 and 0.00034; ExAC 0.00045; TOPMed 0.00132; gnomAD 0.00134 and 0.00143; ESP Exome Variant Server 0.00169; 1000 Genomes Project 30x 0.00203; 1000 Genomes Project 0.00220.
gnomAD v4.1: 396 of 1,614,250 alleles (0.025%); highest among the groups gnomAD compares: African/African-American, 0.47%; 1 homozygote.

Submissions (4):

Labcorp Genetics (formerly Invitae), Labcorp
Classification: Benign. Last evaluated: 2026-01-02. Review status: criteria provided, single submitter. Criteria: Invitae Variant Classification Sherloc (09022015). Collection method: clinical testing. Allele origin: germline.

CeGaT Center for Human Genetics Tuebingen
Classification: Likely benign. Last evaluated: 2024-07-01. Review status: criteria provided, single submitter. Criteria: CeGaT Center For Human Genetics Tuebingen Variant Classification Criteria Version 2. Collection method: clinical testing. Allele origin: germline. Affected: yes. Observed: 1 variant allele.
Comment: ARPC1B: BP4

Blueprint Genetics
Classification: Likely benign. Last evaluated: 2024-05-03. Review status: criteria provided, single submitter. Criteria: ACMG Guidelines, 2015. Collection method: clinical testing. Allele origin: germline.

PreventionGenetics, part of Exact Sciences
Classification: Likely benign for ARPC1B-related condition. Last evaluated: 2019-04-29. Review status: no assertion criteria provided. Collection method: clinical testing. Allele origin: germline. Not counted in ClinVar's aggregate classification.
Comment: This variant is classified as likely benign based on ACMG/AMP sequence variant interpretation guidelines (Richards et al. 2015 PMID: 25741868, with internal and published modifications).

NM_005720.4(ARPC1B):c.339G>A (p.Val113=)

Gene: ARPC1B (actin related protein 2/3 complex subunit 1B; plus strand). Cytogenetic location: 7q22.1.
Variant type: single nucleotide variant.
Coding change: c.339G>A on transcript NM_005720.4 (MANE Select); coding-DNA position 339, G replaced by A.
Protein change: p.Val113=; no amino-acid change (valine 113 retained).
Molecular consequence: synonymous variant.
Genome position (GRCh38, 1-based): chr7:99,388,208, G>A. VCF-style: chr7-99388208-G-A. GRCh37 (hg19) VCF-style: chr7-98985831-G-A.
Other names: c.339G>A (NM_005720.3).
Identifiers: ClinVar variation 1170317 (VCV001170317.29), dbSNP rs145592588, ClinGen allele CA4363980.
Genomic context (GRCh38, chr7:99,388,208, plus strand): 5'-GCGGATCAACCGGGCTGCCCGCTGCGTGCGCTGGGCCCCCAACGAGAACAAGTTTGCTGT[G>A]GGCAGCGGCTCTCGTGTGATCTCCATCTGTTATTTCGAGCAGGAGAATGACTGGTGGGTA-3'
Protein context (NP_005711.1, residues 103-123): RWAPNENKFA[Val113=]GSGSRVISIC